The following is an entry in ClinVar:

NM_001211.6(BUB1B):c.2850G>A (p.Gln950=)

Genes: BUB1B (BUB1 mitotic checkpoint serine/threonine kinase B; plus strand), BUB1B-PAK6 (BUB1B-PAK6 readthrough; plus strand). Cytogenetic location: 15q15.1.
Variant type: single nucleotide variant.
Coding change: c.2850G>A on transcript NM_001211.6 (MANE Select); coding-DNA position 2850, G replaced by A.
Protein change: p.Gln950=; no amino-acid change (glutamine 950 retained).
Molecular consequence: synonymous variant. On other transcripts: 5 prime UTR variant (2).
Genome position (GRCh38, 1-based): chr15:40,217,667, G>A. VCF-style: chr15-40217667-G-A. GRCh37 (hg19) VCF-style: chr15-40509868-G-A.
Other names: c.-201G>A (NM_001128628.3); c.-118G>A (NM_001128629.3).
Identifiers: ClinVar variation 3609117 (VCV003609117.2).

ClinVar aggregate classification (germline): Uncertain significance (1 of 4 stars; one submission).

Conditions:
Mosaic variegated aneuploidy syndrome 1 (MVA1). Also called: Warburton-Anyane-Yeboa syndrome. Identifiers: Orphanet 1052, MedGen C1850343, MONDO:0009759, OMIM 257300.

gnomAD v4.1: 3 of 1,614,082 alleles (0.00019%); highest among the groups gnomAD compares: East Asian, 0.0022%; no homozygotes.

Submission:

Labcorp Genetics (formerly Invitae), Labcorp
Classification: Uncertain significance for Mosaic variegated aneuploidy syndrome 1. Last evaluated: 2025-12-02. Review status: criteria provided, single submitter. Criteria: Invitae Variant Classification Sherloc (09022015). Collection method: clinical testing. Allele origin: germline.
Comment: This sequence change affects codon 950 of the BUB1B mRNA. It is a 'silent' change, meaning that it does not change the encoded amino acid sequence of the BUB1B protein. This variant also falls at the last nucleotide of exon 21, which is part of the consensus splice site for this exon. This variant is present in population databases (rs775976611, gnomAD 0.006%). This variant has not been reported in the literature in individuals affected with BUB1B-related conditions. ClinVar contains an entry for this variant (Variation ID: 3609117). Variants that disrupt the consensus splice site are a relatively common cause of aberrant splicing (PMID: 17576681, 9536098). Algorithms developed to predict the effect of sequence changes on RNA splicing suggest that this variant is not likely to affect RNA splicing. In summary, the available evidence is currently insufficient to determine the role of this variant in disease. Therefore, it has been classified as a Variant of Uncertain Significance.

Literature cited by the submitters: PubMed 17576681; PubMed 9536098.